The following is an entry in ClinVar:

ClinVar aggregate classification (germline): Benign/Likely benign. Review status: criteria provided, multiple submitters, no conflicts (2 of 4 stars). 4 submissions from 4 submitters: Benign (1); Likely benign (2). 1 of the submissions does not count toward it. Last evaluated 2026-01-20.

Conditions:
Birt-Hogg-Dube syndrome 1 (BHD1). Also called: FIBROFOLLICULOMAS WITH TRICHODISCOMAS AND ACROCHORDONS. Identifiers: Orphanet 122, MedGen CN375946, MONDO:0800445, OMIM 135150.
FLCN-related disorder. Also called: FLCN-related condition.
Hereditary cancer-predisposing syndrome. Also called: Hereditary Cancer Syndrome; Neoplastic Syndromes, Hereditary; Tumor predisposition; Hereditary neoplastic syndrome. Identifiers: Orphanet 140162, MedGen C0027672, MeSH D009386, MONDO:0015356.
Birt-Hogg-Dube syndrome. Also called: Birt Hogg Dubé syndrome. Identifiers: Orphanet 122, MedGen C0346010, MONDO:0800444.

Allele frequency attached by ClinVar (database versions not stated): gnomAD exomes below 0.00001 and 0.00001; ExAC 0.00001; TOPMed 0.00001; gnomAD 0.00003.
gnomAD v4.1: 11 of 1,609,368 alleles (0.00068%); highest among the groups gnomAD compares: Non-Finnish European, 0.00093%; no homozygotes.

Submissions (4):

Labcorp Genetics (formerly Invitae), Labcorp
Classification: Likely benign for Birt-Hogg-Dube syndrome. Last evaluated: 2026-01-20. Review status: criteria provided, single submitter. Criteria: Invitae Variant Classification Sherloc (09022015). Collection method: clinical testing. Allele origin: germline.

Myriad Genetics, Inc.
Classification: Benign for Birt-Hogg-Dube syndrome 1. Last evaluated: 2024-10-23. Review status: criteria provided, single submitter. Criteria: Myriad Autosomal Dominant, Autosomal Recessive and X-Linked Classification Criteria (2023). Collection method: clinical testing. Allele origin: unknown.
Comment: This variant is considered benign. This variant is a silent/synonymous amino acid change and it is not expected to impact splicing.

Ambry Genetics
Classification: Likely benign for Hereditary cancer-predisposing syndrome. Last evaluated: 2014-11-01. Review status: criteria provided, single submitter. Criteria: Ambry Variant Classification Scheme 2023. Collection method: clinical testing. Allele origin: germline.

PreventionGenetics, part of Exact Sciences
Classification: Likely benign for FLCN-related condition. Last evaluated: 2022-02-21. Review status: no assertion criteria provided. Collection method: clinical testing. Allele origin: germline. Not counted in ClinVar's aggregate classification.
Comment: This variant is classified as likely benign based on ACMG/AMP sequence variant interpretation guidelines (Richards et al. 2015 PMID: 25741868, with internal and published modifications).

NM_144997.7(FLCN):c.804G>T (p.Arg268=)

Gene: FLCN (folliculin; minus strand). Cytogenetic location: 17p11.2.
Variant type: single nucleotide variant.
Coding change: c.804G>T on transcript NM_144997.7 (MANE Select); coding-DNA position 804, G replaced by T.
Protein change: p.Arg268=; no amino-acid change (arginine 268 retained).
Molecular consequence: synonymous variant.
Genome position (GRCh38, 1-based): chr17:17,221,604, C>A on the plus strand (G>T on the coding strand, the complement: FLCN is on the minus strand). VCF-style: chr17-17221604-C-A. GRCh37 (hg19) VCF-style: chr17-17124918-C-A.
Other names: c.804G>T (LRG_325t1); c.858G>T, p.Arg286= (NM_001353229.2); c.804G>T, p.Arg268= (NM_001353230.2, NM_001353231.2, NM_144606.7).
Identifiers: ClinVar variation 186764 (VCV000186764.18), dbSNP rs771424902, ClinGen allele CA195802.